The following is an entry in ClinVar:

NM_001013838.3(CARMIL2):c.824C>T (p.Ser275Phe)

Gene: CARMIL2 (capping protein regulator and myosin 1 linker 2; plus strand). Cytogenetic location: 16q22.1.
Variant type: single nucleotide variant.
Coding change: c.824C>T on transcript NM_001013838.3 (MANE Select); coding-DNA position 824, C replaced by T.
Protein change: p.Ser275Phe; replaces serine 275 with phenylalanine.
Molecular consequence: missense variant.
Genome position (GRCh38, 1-based): chr16:67,647,555, C>T. VCF-style: chr16-67647555-C-T. GRCh37 (hg19) VCF-style: chr16-67681458-C-T.
Other names: c.824C>T, p.Ser275Phe (NM_001317026.3); short protein forms S275F.
Identifiers: ClinVar variation 1944880 (VCV001944880.5), dbSNP rs1163277007, ClinGen allele CA396333007.

ClinVar aggregate classification (germline): Uncertain significance (1 of 4 stars; one submission).

gnomAD v4.1: 2 of 1,611,108 alleles (0.00012%); highest among the groups gnomAD compares: African/African-American, 0.0013%; no homozygotes.

Submission:

Labcorp Genetics (formerly Invitae), Labcorp
Classification: Uncertain significance. Last evaluated: 2022-04-23. Review status: criteria provided, single submitter. Criteria: Invitae Variant Classification Sherloc (09022015). Collection method: clinical testing. Allele origin: germline.
Comment: In summary, the available evidence is currently insufficient to determine the role of this variant in disease. Therefore, it has been classified as a Variant of Uncertain Significance. Algorithms developed to predict the effect of missense changes on protein structure and function are either unavailable or do not agree on the potential impact of this missense change (SIFT: "Deleterious"; PolyPhen-2: "Probably Damaging"; Align-GVGD: "Class C0"). This variant has not been reported in the literature in individuals affected with CARMIL2-related conditions. This variant is not present in population databases (gnomAD no frequency). This sequence change replaces serine, which is neutral and polar, with phenylalanine, which is neutral and non-polar, at codon 275 of the CARMIL2 protein (p.Ser275Phe).